The following is an entry in ClinVar:

NM_001243279.3(ACSF3):c.1004T>A (p.Leu335Gln)

Genes: ACSF3 (acyl-CoA synthetase family member 3; plus strand), LOC125177393 (P300/CBP strongly-dependent group 1 enhancer GRCh37_chr16:89180375-89181574; plus strand). Cytogenetic location: 16q24.3.
Variant type: single nucleotide variant.
Coding change: c.1004T>A on transcript NM_001243279.3 (MANE Select); coding-DNA position 1004, T replaced by A.
Protein change: p.Leu335Gln; replaces leucine 335 with glutamine.
Molecular consequence: missense variant. On other transcripts: non-coding transcript variant (2).
Genome position (GRCh38, 1-based): chr16:89,114,365, T>A. VCF-style: chr16-89114365-T-A. GRCh37 (hg19) VCF-style: chr16-89180773-T-A.
Other names: c.1004T>A, p.Leu335Gln (NM_001127214.4, NM_174917.5); c.209T>A, p.Leu70Gln (NM_001284316.2); short protein forms L335Q, L70Q.
Identifiers: ClinVar variation 1424416 (VCV001424416.6), dbSNP rs1358680743, ClinGen allele CA397140316.

ClinVar aggregate classification (germline): Uncertain significance (1 of 4 stars; one submission).

Conditions:
Combined malonic and methylmalonic acidemia. Identifiers: Orphanet 289504, MedGen C3280314, MONDO:0013661, OMIM 614265.

Allele frequency attached by ClinVar (database versions not stated): gnomAD exomes below 0.00001; TOPMed below 0.00001; gnomAD 0.00001.
gnomAD v4.1: 3 of 1,613,964 alleles (0.00019%); highest among the groups gnomAD compares: Non-Finnish European, 0.00025%; no homozygotes.

Submission:

Labcorp Genetics (formerly Invitae), Labcorp
Classification: Uncertain significance for Combined malonic and methylmalonic acidemia. Last evaluated: 2024-01-12. Review status: criteria provided, single submitter. Criteria: Invitae Variant Classification Sherloc (09022015). Collection method: clinical testing. Allele origin: germline.
Comment: This sequence change replaces leucine, which is neutral and non-polar, with glutamine, which is neutral and polar, at codon 335 of the ACSF3 protein (p.Leu335Gln). This variant is not present in population databases (gnomAD no frequency). This variant has not been reported in the literature in individuals affected with ACSF3-related conditions. ClinVar contains an entry for this variant (Variation ID: 1424416). Advanced modeling of protein sequence and biophysical properties (such as structural, functional, and spatial information, amino acid conservation, physicochemical variation, residue mobility, and thermodynamic stability) performed at Invitae indicates that this missense variant is expected to disrupt ACSF3 protein function with a positive predictive value of 95%. In summary, the available evidence is currently insufficient to determine the role of this variant in disease. Therefore, it has been classified as a Variant of Uncertain Significance.